The following is an entry in ClinVar:

ClinVar aggregate classification (germline): Uncertain significance (1 of 4 stars; one submission).

Conditions:
WNK1-related disorder. Also called: WNK1-related condition.

gnomAD v4.1: 6 of 1,614,144 alleles (0.00037%); highest among the groups gnomAD compares: Admixed American, 0.01%; no homozygotes.

Submission:

PreventionGenetics, part of Exact Sciences
Classification: Uncertain significance for WNK1-related condition. Last evaluated: 2025-07-08. Review status: criteria provided, single submitter. Criteria: ACMG Guidelines, 2015. Collection method: clinical testing. Allele origin: germline.
Comment: The WNK1 c.2767G>A variant is predicted to result in the amino acid substitution p.Gly923Arg. To our knowledge, this variant has not been reported in the literature. This variant is reported in 0.020% of alleles in individuals of Latino descent in gnomAD. At this time, the clinical significance of this variant is uncertain due to the absence of conclusive functional and genetic evidence.

NM_018979.4(WNK1):c.2767G>A (p.Gly923Arg)

Gene: WNK1 (WNK lysine deficient protein kinase 1; plus strand). Cytogenetic location: 12p13.33.
Variant type: single nucleotide variant.
Coding change: c.2767G>A on transcript NM_018979.4 (MANE Select); coding-DNA position 2767, G replaced by A.
Protein change: p.Gly923Arg; replaces glycine 923 with arginine.
Molecular consequence: missense variant. On other transcripts: intron variant (3).
Genome position (GRCh38, 1-based): chr12:879,966, G>A. VCF-style: chr12-879966-G-A. GRCh37 (hg19) VCF-style: chr12-989132-G-A.
Other names: c.3867+1605G>A (NM_213655.5); c.3613-755G>A (NM_001184985.2); c.2370+1605G>A (NM_014823.3); short protein forms G923R.
Identifiers: ClinVar variation 4980901 (VCV004980901.1).